The following is an entry in ClinVar:

ClinVar aggregate classification (germline): Uncertain significance (1 of 4 stars; one submission).

Submission:

Labcorp Genetics (formerly Invitae), Labcorp
Classification: Uncertain significance. Last evaluated: 2024-02-14. Review status: criteria provided, single submitter. Criteria: Invitae Variant Classification Sherloc (09022015). Collection method: clinical testing. Allele origin: germline.
Comment: This sequence change replaces phenylalanine, which is neutral and non-polar, with leucine, which is neutral and non-polar, at codon 332 of the POLE protein (p.Phe332Leu). This variant is not present in population databases (gnomAD no frequency). This variant has not been reported in the literature in individuals affected with POLE-related conditions. Advanced modeling of protein sequence and biophysical properties (such as structural, functional, and spatial information, amino acid conservation, physicochemical variation, residue mobility, and thermodynamic stability) performed at Invitae indicates that this missense variant is expected to disrupt POLE protein function with a positive predictive value of 80%. In summary, the available evidence is currently insufficient to determine the role of this variant in disease. Therefore, it has been classified as a Variant of Uncertain Significance.

NM_006231.4(POLE):c.996T>G (p.Phe332Leu)

Gene: POLE (DNA polymerase epsilon, catalytic subunit; minus strand). Cytogenetic location: 12q24.33.
Variant type: single nucleotide variant.
Coding change: c.996T>G on transcript NM_006231.4 (MANE Select); coding-DNA position 996, T replaced by G.
Protein change: p.Phe332Leu; replaces phenylalanine 332 with leucine.
Molecular consequence: missense variant.
Genome position (GRCh38, 1-based): chr12:132,676,118, A>C on the plus strand (T>G on the coding strand, the complement: POLE is on the minus strand). VCF-style: chr12-132676118-A-C. GRCh37 (hg19) VCF-style: chr12-133252704-A-C.
Other names: short protein forms F332L.
Identifiers: ClinVar variation 3640950 (VCV003640950.2).